The following is an entry in ClinVar:

NM_000642.3(AGL):c.2278del (p.Ser760fs)

Gene: AGL (amylo-alpha-1,6-glucosidase and 4-alpha-glucanotransferase; plus strand). Cytogenetic location: 1p21.2.
Variant type: Deletion.
Coding change: c.2278del on transcript NM_000642.3 (MANE Select); coding-DNA position 2278, one base deleted (A; older notation c.2278delA).
Protein change: p.Ser760fs; shifts the reading frame from serine 760.
Molecular consequence: frameshift variant.
Genome position (GRCh38, 1-based): chr1:99,881,661, A deleted. VCF-style (leftmost placement, unchanged base first): chr1-99881660-CA-C. GRCh37 (hg19) VCF-style: chr1-100347216-CA-C.
Other names: c.2278delA, p.Ser760Alafs (NM_000028.3, NM_000643.3, NM_000644.3 and 2 more transcripts); c.2230delA, p.Ser744Alafs (NM_000646.3); c.2077delA, p.Ser693Alafs (NM_001425327.1); c.2074delA, p.Ser692Alafs (NM_001425328.1, NM_001425329.1); c.1900delA, p.Ser634Alafs (NM_001425332.1); short protein forms S744fs, S760fs.
Identifiers: ClinVar variation 371263 (VCV000371263.6), dbSNP rs1057517136, ClinGen allele CA16040835.

ClinVar aggregate classification (germline): Pathogenic. Review status: criteria provided, single submitter (1 of 4 stars). 2 submissions from 2 submitters: Pathogenic (1). 1 of the submissions does not count toward it. Last evaluated 2023-06-03.

Conditions:
Glycogen storage disease type III (GSD3). Also called: Cori disease; FORBES DISEASE. Identifiers: Orphanet 366, MedGen C0017922, MONDO:0009291, OMIM 232400.

Submissions (2):

Labcorp Genetics (formerly Invitae), Labcorp
Classification: Pathogenic for Glycogen storage disease type III. Last evaluated: 2023-06-03. Review status: criteria provided, single submitter. Criteria: Invitae Variant Classification Sherloc (09022015). Collection method: clinical testing. Allele origin: germline.
Comment: ClinVar contains an entry for this variant (Variation ID: 371263). For these reasons, this variant has been classified as Pathogenic. This variant has not been reported in the literature in individuals affected with AGL-related conditions. This variant is not present in population databases (gnomAD no frequency). This sequence change creates a premature translational stop signal (p.Ser760Alafs*16) in the AGL gene. It is expected to result in an absent or disrupted protein product. Loss-of-function variants in AGL are known to be pathogenic (PMID: 19299494).

Counsyl
Classification: Likely pathogenic for Glycogen storage disease type III. Last evaluated: 2016-08-09. Review status: no assertion criteria provided. Collection method: clinical testing. Allele origin: unknown. Not counted in ClinVar's aggregate classification.

Literature cited by the submitters: PubMed 19299494 (cited by Labcorp Genetics (formerly Invitae), Labcorp).